The following is an entry in ClinVar:

NM_005502.4(ABCA1):c.1945A>T (p.Ile649Phe)

Gene: ABCA1 (ATP binding cassette subfamily A member 1; minus strand). Cytogenetic location: 9q31.1.
Variant type: single nucleotide variant.
Coding change: c.1945A>T on transcript NM_005502.4 (MANE Select); coding-DNA position 1945, A replaced by T.
Protein change: p.Ile649Phe; replaces isoleucine 649 with phenylalanine.
Molecular consequence: missense variant.
Genome position (GRCh38, 1-based): chr9:104,829,086, T>A on the plus strand (A>T on the coding strand, the complement: ABCA1 is on the minus strand). VCF-style: chr9-104829086-T-A. GRCh37 (hg19) VCF-style: chr9-107591367-T-A.
Other names: c.1945A>T (NM_005502.3); short protein forms I649F.
Identifiers: ClinVar variation 2445890 (VCV002445890.1), dbSNP rs372956571, ClinGen allele CA197395117.
Genomic context (GRCh38, chr9:104,829,086, plus strand): 5'-CTTTCAGCCGTGCCTCCTTCTCATACACGATGCCCTTGATGATCACAGCCACTGAGTAAA[T>A]CCAGGCCAGCGTCATGAAGAGGGGCATTGACCGGCTCATCACCCGCAGAAAGCTGGAGGC-3'
Protein context (NP_005493.2, residues 639-659): SMPLFMTLAW[Ile649Phe]YSVAVIIKGI

ClinVar aggregate classification (germline): Uncertain significance (1 of 4 stars; one submission).

Allele frequency attached by ClinVar (database versions not stated): gnomAD 0.00002; TOPMed 0.00002; ESP Exome Variant Server 0.00008; gnomAD exomes 0.00008.
gnomAD v4.1: 115 of 1,613,952 alleles (0.0071%); highest among the groups gnomAD compares: Non-Finnish European, 0.0097%; no homozygotes.

Submission:

Women's Health and Genetics/Laboratory Corporation of America, LabCorp
Classification: Uncertain significance. Last evaluated: 2023-02-17. Review status: criteria provided, single submitter. Criteria: LabCorp Variant Classification Summary - May 2015. Collection method: clinical testing. Allele origin: germline.
Comment: Variant summary: ABCA1 c.1945A>T (p.Ile649Phe) results in a non-conservative amino acid change in the encoded protein sequence. Five of five in-silico tools predict a damaging effect of the variant on protein function. The variant allele was found at a frequency of 2e-05 in 150834 control chromosomes (gnomAD v3.1.2). The available data on variant occurrences in the general population are insufficient to allow any conclusion about variant significance. To our knowledge, no occurrence of c.1945A>T in individuals affected with Tangier Disease and no experimental evidence demonstrating an impact on protein function has been reported. No clinical diagnostic laboratories have submitted clinical-significance assessments for this variant to ClinVar after 2014. Based on the evidence outlined above, the variant was classified as uncertain significance.

Literature cited by the submitters: PubMed 32041611.